The following is an entry in ClinVar:

NM_152564.5(VPS13B):c.6579G>C (p.Trp2193Cys)

Gene: VPS13B (vacuolar protein sorting 13 homolog B; plus strand). Cytogenetic location: 8q22.2.
Variant type: single nucleotide variant.
Coding change: c.6579G>C on transcript NM_152564.5 (MANE Select); coding-DNA position 6579, G replaced by C.
Protein change: p.Trp2193Cys; replaces tryptophan 2193 with cysteine.
Molecular consequence: missense variant.
Genome position (GRCh38, 1-based): chr8:99,717,295, G>C. VCF-style: chr8-99717295-G-C. GRCh37 (hg19) VCF-style: chr8-100729523-G-C.
Other names: c.6654G>C, p.Trp2218Cys (NM_017890.5); short protein forms W2193C, W2218C.
Identifiers: ClinVar variation 1480333 (VCV001480333.3), dbSNP rs763341700, ClinGen allele CA371867339.

ClinVar aggregate classification (germline): Uncertain significance (1 of 4 stars; one submission).

Conditions:
Cohen syndrome (COH1). Also called: PEPPER SYNDROME; Cutis verticis gyrata, retinitis pigmentosa, and sensorineural deafness. Identifiers: Orphanet 193, MedGen C0265223, MONDO:0008999, OMIM 216550.

gnomAD v4.1: 2 of 1,613,996 alleles (0.00012%); highest among the groups gnomAD compares: Admixed American, 0.0017%; no homozygotes.

Submission:

Labcorp Genetics (formerly Invitae), Labcorp
Classification: Uncertain significance for Cohen syndrome. Last evaluated: 2021-11-14. Review status: criteria provided, single submitter. Criteria: Invitae Variant Classification Sherloc (09022015). Collection method: clinical testing. Allele origin: germline.
Comment: This sequence change replaces tryptophan, which is neutral and slightly polar, with cysteine, which is neutral and slightly polar, at codon 2218 of the VPS13B protein (p.Trp2218Cys). This variant is not present in population databases (gnomAD no frequency). This variant has not been reported in the literature in individuals affected with VPS13B-related conditions. Algorithms developed to predict the effect of missense changes on protein structure and function are either unavailable or do not agree on the potential impact of this missense change (SIFT: "Not Available"; PolyPhen-2: "Possibly Damaging"; Align-GVGD: "Not Available"). In summary, the available evidence is currently insufficient to determine the role of this variant in disease. Therefore, it has been classified as a Variant of Uncertain Significance.